The following is an entry in ClinVar:

NM_001040616.3(LINS1):c.490-1G>C

Gene: LINS1 (lines homolog 1; minus strand). Cytogenetic location: 15q26.3.
Variant type: single nucleotide variant.
Coding change: c.490-1G>C on transcript NM_001040616.3 (MANE Select); the canonical splice acceptor site of the intron before coding-DNA position 490, G replaced by C.
Molecular consequence: splice acceptor variant.
Genome position (GRCh38, 1-based): chr15:100,575,129, C>G on the plus strand (G>C on the coding strand, the complement: LINS1 is on the minus strand). VCF-style: chr15-100575129-C-G. GRCh37 (hg19) VCF-style: chr15-101115334-C-G.
Other names: c.445-1G>C (NM_001352508.2); c.-258-1G>C (NM_001352507.2).
Identifiers: ClinVar variation 978100 (VCV000978100.2), dbSNP rs768006727, ClinGen allele CA393937180.

ClinVar aggregate classification (germline): Likely pathogenic (1 of 4 stars; one submission).

Conditions:
Intellectual developmental disorder, autosomal recessive 27. Also called: Mental retardation, autosomal recessive 27; Intellectual disability, autosomal recessive 27. Identifiers: Orphanet 88616, MedGen C3280538, MONDO:0013702, OMIM 614340.

Submission:

New York Genome Center
Classification: Likely pathogenic for Intellectual developmental disorder, autosomal recessive 27. Last evaluated: 2019-12-16. Review status: criteria provided, single submitter. Criteria: NYGC Assertion Criteria 2020. Collection method: clinical testing. Allele origin: inherited. Observed: 1 homozygote. Study: CSER-NYCKidSeq.
Comment: The c.490-1G>C is a novel canonical splicing variant in LINS1gene and has not been reported in the available literature. This variant is also not reported in gnomAD database, indicating this is a rare allele. The variant at the minus 1 position of intron 3/6 is predicted to affect splicing. Based on the available evidence, the variant c.490-1G>Cin the LINS1 gene is classified as likely pathogenic.